The following is an entry in ClinVar:

NM_031443.4(CCM2):c.475C>T (p.Gln159Ter)

Gene: CCM2 (CCM2 scaffold protein; plus strand). Cytogenetic location: 7p13.
Variant type: single nucleotide variant.
Coding change: c.475C>T on transcript NM_031443.4 (MANE Select); coding-DNA position 475, C replaced by T.
Protein change: p.Gln159Ter; replaces glutamine 159 with a stop codon.
Molecular consequence: nonsense. On other transcripts: non-coding transcript variant (1), intron variant (1).
Genome position (GRCh38, 1-based): chr7:45,068,445, C>T. VCF-style: chr7-45068445-C-T. GRCh37 (hg19) VCF-style: chr7-45108044-C-T.
Other names: c.301C>T, p.Gln101Ter (NM_001167934.2, NM_001363459.2); c.475C>T, p.Gln159Ter (NM_001363458.2); c.538C>T, p.Gln180Ter (NM_001029835.2); c.472+3799C>T (NM_001167935.2); short protein forms Q101*, Q159*, Q180*.
Identifiers: ClinVar variation 3572464 (VCV003572464.5).

ClinVar aggregate classification (germline): Pathogenic. Review status: criteria provided, multiple submitters, no conflicts (2 of 4 stars). 3 submissions from 3 submitters: Pathogenic (3). Last evaluated 2025-08-22.

Conditions:
Cerebral cavernous malformation 2. Also called: Familial Cerebral Cavernous Malformation 2. Identifiers: Orphanet 221061, MedGen C1864041, MONDO:0011304, OMIM 603284.
CCM2-related disorder. Also called: CCM2-related condition.

Submissions (3):

GeneDx
Classification: Pathogenic. Last evaluated: 2025-08-22. Review status: criteria provided, single submitter. Criteria: GeneDx Variant Classification Process June 2021. Collection method: clinical testing. Allele origin: germline.
Comment: Nonsense variant predicted to result in protein truncation or nonsense mediated decay in a gene for which loss of function is a known mechanism of disease; Not observed at significant frequency in large population cohorts (gnomAD); This variant is associated with the following publications: (PMID: 25525159, 38749536, 18300272)

Labcorp Genetics (formerly Invitae), Labcorp
Classification: Pathogenic for Cerebral cavernous malformation 2. Last evaluated: 2025-01-27. Review status: criteria provided, single submitter. Criteria: Invitae Variant Classification Sherloc (09022015). Collection method: clinical testing. Allele origin: germline.
Comment: This sequence change creates a premature translational stop signal (p.Gln159*) in the CCM2 gene. It is expected to result in an absent or disrupted protein product. Loss-of-function variants in CCM2 are known to be pathogenic (PMID: 18300272, 24689081). This variant is not present in population databases (gnomAD no frequency). This premature translational stop signal has been observed in individual(s) with cerebral cavernous malformations (PMID: 18300272). For these reasons, this variant has been classified as Pathogenic.

Blueprint Genetics
Classification: Pathogenic for CCM2-related disorders. Last evaluated: 2024-06-28. Review status: criteria provided, single submitter. Criteria: ACMG Guidelines, 2015. Collection method: clinical testing. Allele origin: germline. Affected: yes. Observed: 1 variant allele.

Literature cited by the submitters: PubMed 18300272 (cited by Labcorp Genetics (formerly Invitae), Labcorp); PubMed 24689081 (cited by Labcorp Genetics (formerly Invitae), Labcorp).